The following is an entry in ClinVar:

ClinVar aggregate classification (germline): Uncertain significance. Review status: criteria provided, multiple submitters, no conflicts (2 of 4 stars). 2 submissions from 2 submitters: Uncertain significance (2). Last evaluated 2025-10-21.

Conditions:
Epidermolysis bullosa simplex 5B, with muscular dystrophy (EBS5B). Also called: Epidermolysis bullosa simplex with muscular dystrophy; EPIDERMOLYSIS BULLOSA SIMPLEX AND LIMB-GIRDLE MUSCULAR DYSTROPHY. Identifiers: Orphanet 257, MedGen C2931072, MONDO:0009181, OMIM 226670.
Epidermolysis bullosa simplex 5C, with pyloric atresia (EBS5C). Also called: Epidermolysis bullosa simplex with pyloric atresia; PLEC-Related Epidermolysis Bullosa with Pyloric Atresia; PLEC1-Related Epidermolysis Bullosa with Pyloric Atresia. Identifiers: Orphanet 158684, MedGen C2677349, MONDO:0012807, OMIM 612138.
Epidermolysis bullosa simplex, Ogna type (EBS5A). Also called: Pidermolysis bullosa simplex 5A, Ogna type; EPIDERMOLYSIS BULLOSA SIMPLEX 5A, OGNA TYPE. Identifiers: Orphanet 79401, MedGen C0432317, MONDO:0007555, OMIM 131950.
Autosomal recessive limb-girdle muscular dystrophy type 2Q (LGMDR17). Also called: MUSCULAR DYSTROPHY, LIMB-GIRDLE, AUTOSOMAL RECESSIVE 17. Identifiers: Orphanet 254361, MedGen C3150989, MONDO:0013390, OMIM 613723.
Epidermolysis bullosa simplex with nail dystrophy (EBS5D). Identifiers: MedGen C4225309, MONDO:0014661, OMIM 616487.
Inborn genetic diseases. Identifiers: MedGen C0950123, MeSH D030342.

Allele frequency attached by ClinVar (database versions not stated): gnomAD 0.00001; gnomAD exomes 0.00001 and 0.00002.

Submissions (2):

Labcorp Genetics (formerly Invitae), Labcorp
Classification: Uncertain significance for Autosomal recessive limb-girdle muscular dystrophy type 2Q; Epidermolysis bullosa simplex, Ogna type; Epidermolysis bullosa simplex with nail dystrophy; Epidermolysis bullosa simplex 5C, with pyloric atresia; Epidermolysis bullosa simplex 5B, with muscular dystrophy. Last evaluated: 2025-10-21. Review status: criteria provided, single submitter. Criteria: Invitae Variant Classification Sherloc (09022015). Collection method: clinical testing. Allele origin: germline.
Comment: This sequence change replaces threonine, which is neutral and polar, with methionine, which is neutral and non-polar, at codon 2505 of the PLEC protein (p.Thr2505Met). The frequency data for this variant in the population databases is considered unreliable, as metrics indicate poor data quality at this position in the gnomAD database. This variant has not been reported in the literature in individuals affected with PLEC-related conditions. ClinVar contains an entry for this variant (Variation ID: 1054379). Invitae Evidence Modeling of protein sequence and biophysical properties (such as structural, functional, and spatial information, amino acid conservation, physicochemical variation, residue mobility, and thermodynamic stability) indicates that this missense variant is not expected to disrupt PLEC protein function with a negative predictive value of 80%. In summary, the available evidence is currently insufficient to determine the role of this variant in disease. Therefore, it has been classified as a Variant of Uncertain Significance.

Ambry Genetics
Classification: Uncertain significance for Inborn genetic diseases. Last evaluated: 2024-10-04. Review status: criteria provided, single submitter. Criteria: Ambry Variant Classification Scheme 2023. Collection method: clinical testing. Allele origin: germline.

NM_201384.3(PLEC):c.7433C>T (p.Thr2478Met)

Gene: PLEC (plectin; minus strand). Cytogenetic location: 8q24.3.
Variant type: single nucleotide variant.
Coding change: c.7433C>T on transcript NM_201384.3 (MANE Select); coding-DNA position 7433, C replaced by T.
Protein change: p.Thr2478Met; replaces threonine 2478 with methionine.
Molecular consequence: missense variant.
Genome position (GRCh38, 1-based): chr8:143,922,388, G>A on the plus strand (C>T on the coding strand, the complement: PLEC is on the minus strand). VCF-style: chr8-143922388-G-A. GRCh37 (hg19) VCF-style: chr8-144996556-G-A.
Other names: c.7514C>T, p.Thr2505Met (NM_000445.5); c.7391C>T, p.Thr2464Met (NM_201378.4); c.7367C>T, p.Thr2456Met (NM_201379.3); c.7844C>T, p.Thr2615Met (NM_201380.4); c.7337C>T, p.Thr2446Met (NM_201381.3); c.7433C>T, p.Thr2478Met (NM_201382.4); c.7445C>T, p.Thr2482Met (NM_201383.3); c.7514C>T (NM_000445.3); short protein forms T2446M, T2456M, T2464M, T2478M, T2482M, T2505M, T2615M.
Identifiers: ClinVar variation 1054379 (VCV001054379.6), dbSNP rs782610811, ClinGen allele CA4925618.